The following is an entry in ClinVar:

ClinVar aggregate classification (germline): Uncertain significance (1 of 4 stars; one submission).

Conditions:
Long QT syndrome (LQTS). Identifiers: MedGen C0023976, MeSH D008133, MONDO:0002442. Disease mechanism: loss of function. Inheritance: Various modes of inheritance.

Allele frequency attached by ClinVar (database versions not stated): gnomAD exomes 0.00001; ExAC 0.00002.
gnomAD v4.1: 3 of 1,614,174 alleles (0.00019%); highest among the groups gnomAD compares: Non-Finnish European, 0.00025%; no homozygotes.

Submission:

Labcorp Genetics (formerly Invitae), Labcorp
Classification: Uncertain significance for Long QT syndrome. Last evaluated: 2022-09-28. Review status: criteria provided, single submitter. Criteria: Invitae Variant Classification Sherloc (09022015). Collection method: clinical testing. Allele origin: germline.
Comment: Algorithms developed to predict the effect of missense changes on protein structure and function (SIFT, PolyPhen-2, Align-GVGD) all suggest that this variant is likely to be disruptive. In summary, the available evidence is currently insufficient to determine the role of this variant in disease. Therefore, it has been classified as a Variant of Uncertain Significance. This variant has not been reported in the literature in individuals affected with ANK2-related conditions. This variant is present in population databases (rs768618436, gnomAD 0.002%). This sequence change replaces tyrosine, which is neutral and polar, with histidine, which is basic and polar, at codon 1150 of the ANK2 protein (p.Tyr1150His).

NM_001148.6(ANK2):c.3448T>C (p.Tyr1150His)

Gene: ANK2 (ankyrin 2; plus strand). Cytogenetic location: 4q26.
Variant type: single nucleotide variant.
Coding change: c.3448T>C on transcript NM_001148.6 (MANE Select); coding-DNA position 3448, T replaced by C.
Protein change: p.Tyr1150His; replaces tyrosine 1150 with histidine.
Molecular consequence: missense variant.
Genome position (GRCh38, 1-based): chr4:113,335,914, T>C. VCF-style: chr4-113335914-T-C. GRCh37 (hg19) VCF-style: chr4-114257070-T-C.
Other names: c.3421T>C, p.Tyr1141His (NM_001127493.3); c.3460T>C, p.Tyr1154His (NM_001354225.2); c.3349T>C, p.Tyr1117His (NM_001354228.2, NM_001354258.2); c.3427T>C, p.Tyr1143His (NM_001354230.2); c.3490T>C, p.Tyr1164His (NM_001354231.2, NM_001354242.2); c.3484T>C, p.Tyr1162His (NM_001354232.2); c.3445T>C, p.Tyr1149His (NM_001354235.2, NM_001354246.2, NM_001354265.2); c.3346T>C, p.Tyr1116His (NM_001354236.2); and 30 more; short protein forms Y1050H, Y1079H, Y1083H, Y1084H, Y1103H, Y1105H, Y1141H, Y1143H.
Identifiers: ClinVar variation 1972629 (VCV001972629.5), dbSNP rs768618436, ClinGen allele CA3050850.
Genomic context (GRCh38, chr4:113,335,914, plus strand): 5'-AGCCCAGAAGACCTAGAAAAGAAACGAATCTGCCGCATCATCACCCGAGACTTCCCACAG[T>C]ACTTTGCAGTGGTGTCTCGTATCAAACAGGACAGCAATCTGATTGGCCCAGAAGGAGGTG-3'
Protein context (NP_001139.3, residues 1140-1160): CRIITRDFPQ[Tyr1150His]FAVVSRIKQD